The following is an entry in ClinVar:

ClinVar aggregate classification (germline): Uncertain significance. Review status: criteria provided, multiple submitters, no conflicts (2 of 4 stars). 2 submissions from 2 submitters: Uncertain significance (2). Last evaluated 2025-06-07.

Conditions:
Inborn genetic diseases. Identifiers: MedGen C0950123, MeSH D030342.

Allele frequency attached by ClinVar (database versions not stated): ExAC 0.00001; TOPMed 0.00001.
gnomAD v4.1: 6 of 1,613,960 alleles (0.00037%); highest among the groups gnomAD compares: Admixed American, 0.0067%; no homozygotes.

Submissions (2):

Ambry Genetics
Classification: Uncertain significance for Inborn genetic diseases. Last evaluated: 2025-06-07. Review status: criteria provided, single submitter. Criteria: Ambry Variant Classification Scheme 2023. Collection method: clinical testing. Allele origin: germline.

Labcorp Genetics (formerly Invitae), Labcorp
Classification: Uncertain significance. Last evaluated: 2024-01-06. Review status: criteria provided, single submitter. Criteria: Invitae Variant Classification Sherloc (09022015). Collection method: clinical testing. Allele origin: germline.
Comment: This sequence change replaces valine, which is neutral and non-polar, with isoleucine, which is neutral and non-polar, at codon 1507 of the MYO7A protein (p.Val1507Ile). This variant is present in population databases (rs750178614, gnomAD 0.01%). This variant has not been reported in the literature in individuals affected with MYO7A-related conditions. ClinVar contains an entry for this variant (Variation ID: 1930873). Advanced modeling of protein sequence and biophysical properties (such as structural, functional, and spatial information, amino acid conservation, physicochemical variation, residue mobility, and thermodynamic stability) performed at Invitae indicates that this missense variant is not expected to disrupt MYO7A protein function with a negative predictive value of 95%. In summary, the available evidence is currently insufficient to determine the role of this variant in disease. Therefore, it has been classified as a Variant of Uncertain Significance.

NM_000260.4(MYO7A):c.4519G>A (p.Val1507Ile)

Gene: MYO7A (myosin VIIA; plus strand). Cytogenetic location: 11q13.5.
Variant type: single nucleotide variant.
Coding change: c.4519G>A on transcript NM_000260.4 (MANE Select); coding-DNA position 4519, G replaced by A.
Protein change: p.Val1507Ile; replaces valine 1507 with isoleucine.
Molecular consequence: missense variant.
Genome position (GRCh38, 1-based): chr11:77,198,572, G>A. VCF-style: chr11-77198572-G-A. GRCh37 (hg19) VCF-style: chr11-76909617-G-A.
Other names: c.4519G>A (NM_000260.3); c.4519G>A, p.Val1507Ile (NM_001127180.2); c.4486G>A, p.Val1496Ile (NM_001369365.1); short protein forms V1496I, V1507I.
Identifiers: ClinVar variation 1930873 (VCV001930873.6), dbSNP rs750178614, ClinGen allele CA6198466.